The following is an entry in ClinVar:

ClinVar aggregate classification (germline): Likely pathogenic. Review status: criteria provided, multiple submitters, no conflicts (2 of 4 stars). 4 submissions from 4 submitters: Likely pathogenic (4). Last evaluated 2025-02-12.

Conditions:
Propionic acidemia (PROP). Also called: GLYCINEMIA, KETOTIC; HYPERGLYCINEMIA WITH KETOACIDOSIS AND LEUKOPENIA; KETOTIC HYPERGLYCINEMIA. Identifiers: Orphanet 35, MedGen C0268579, MONDO:0011628, OMIM 606054, HP:0003571.

gnomAD v4.1: 1 of 1,613,908 alleles (0.000062%); highest among the groups gnomAD compares: South Asian, 0.0011%; no homozygotes.

Submissions (4):

Natera, Inc.
Classification: Likely pathogenic for Propionic acidemia. Last evaluated: 2025-02-12. Review status: criteria provided, single submitter. Criteria: Natera Variant Classification Schema (03/2026). Collection method: clinical testing. Allele origin: germline.
Comment: The c.1900-1G>A variant in PCCA is a canonical splice acceptor site variant predicted to affect pre-mRNA splicing, which may result in an abnormal transcript and altered protein product. This variant is expected to result in nonsense mediated decay, truncation, or a dysfunctional protein product. This variant is rare in the general population with a frequency below the threshold expected for the associated phenotype(s). This variant has been observed in one or more individuals affected with the associated recessive disease, as either homozygous or compound heterozygous with a second variant (PMID: 31828787). Given the available evidence, this variant is classified as Likely Pathogenic.

Women's Health and Genetics/Laboratory Corporation of America, LabCorp
Classification: Likely pathogenic for Propionic acidemia. Last evaluated: 2025-01-02. Review status: criteria provided, single submitter. Criteria: LabCorp Variant Classification Summary - May 2015. Collection method: clinical testing. Allele origin: germline.
Comment: Variant summary: PCCA c.1900-1G>A is located in a canonical splice-site and is predicted to affect mRNA splicing resulting in a significantly altered protein due to either exon skipping, shortening, or inclusion of intronic material. Variants that disrupt the consensus splice site are a relatively common cause of aberrant splicing and loss of PCCA function. Several computational tools predict a significant impact on normal splicing: Three predict the variant abolishes a canonical 3' acceptor site. Two predict the variant creates a cryptic 3' acceptor site. However, these predictions have yet to be confirmed by functional studies. The variant was absent in 251454 control chromosomes (gnomAD). c.1900-1G>A has been reported in the literature in individuals affected with Propionic Acidemia (Haijes_2020). These data indicate that the variant may be associated with disease. To our knowledge, no experimental evidence demonstrating an impact on protein function has been reported. The following publication has been ascertained in the context of this evaluation (PMID: 31828787). ClinVar contains an entry for this variant (Variation ID: 1506828). Based on the evidence outlined above, the variant was classified as likely pathogenic.

Baylor Genetics
Classification: Likely pathogenic for Propionic acidemia. Last evaluated: 2023-08-14. Review status: criteria provided, single submitter. Criteria: ACMG Guidelines, 2015. Collection method: clinical testing. Allele origin: unknown.

Labcorp Genetics (formerly Invitae), Labcorp
Classification: Likely pathogenic for Propionic acidemia. Last evaluated: 2022-06-19. Review status: criteria provided, single submitter. Criteria: Invitae Variant Classification Sherloc (09022015). Collection method: clinical testing. Allele origin: germline.
Comment: This variant is not present in population databases (gnomAD no frequency). This sequence change affects an acceptor splice site in intron 21 of the PCCA gene. It is expected to disrupt RNA splicing. Variants that disrupt the donor or acceptor splice site typically lead to a loss of protein function (PMID: 16199547), and loss-of-function variants in PCCA are known to be pathogenic (PMID: 15464417). This variant has not been reported in the literature in individuals affected with PCCA-related conditions. In summary, the currently available evidence indicates that the variant is pathogenic, but additional data are needed to prove that conclusively. Therefore, this variant has been classified as Likely Pathogenic. Algorithms developed to predict the effect of sequence changes on RNA splicing suggest that this variant may disrupt the consensus splice site.

Literature cited by the submitters: PubMed 31828787 (cited by Natera, Inc. and Women's Health and Genetics/Laboratory Corporation of America, LabCorp); PubMed 16199547 (cited by Labcorp Genetics (formerly Invitae), Labcorp); PubMed 15464417 (cited by Labcorp Genetics (formerly Invitae), Labcorp).

NM_000282.4(PCCA):c.1900-1G>A

Gene: PCCA (propionyl-CoA carboxylase subunit alpha; plus strand). Cytogenetic location: 13q32.3.
Variant type: single nucleotide variant.
Coding change: c.1900-1G>A on transcript NM_000282.4 (MANE Select); the canonical splice acceptor site of the intron before coding-DNA position 1900, G replaced by A.
Molecular consequence: splice acceptor variant. On other transcripts: intron variant (2).
Genome position (GRCh38, 1-based): chr13:100,515,426, G>A. VCF-style: chr13-100515426-G-A. GRCh37 (hg19) VCF-style: chr13-101167680-G-A.
Other names: c.1900-12249G>A (NM_001178004.2); c.1846-1G>A (NM_001352605.2); c.1756-1G>A (NM_001352606.2); c.955-1G>A (NM_001352610.2); c.901-1G>A (NM_001352611.2); c.811-1G>A (NM_001352612.2); c.1822-1G>A (NM_001127692.3); c.1822-12249G>A (NM_001352607.2); and 1 more.
Identifiers: ClinVar variation 1506828 (VCV001506828.11), dbSNP rs2152998142, ClinGen allele CA388640140.